The following is an entry in ClinVar:

NM_194454.3(KRIT1):c.1710del (p.Lys570fs)

Gene: KRIT1 (KRIT1 ankyrin repeat containing; minus strand). Cytogenetic location: 7q21.2.
Variant type: Deletion.
Coding change: c.1710del on transcript NM_194454.3 (MANE Select); coding-DNA position 1710, one base deleted (A; older notation c.1710delA).
Protein change: p.Lys570fs; shifts the reading frame from lysine 570.
Molecular consequence: frameshift variant.
Genome position (GRCh38, 1-based): chr7:92,214,631, T deleted on the plus strand (A on the coding strand, the reverse complement: KRIT1 is on the minus strand); the first of 6 consecutive T bases (chr7:92,214,631-92,214,636); deleting any one gives the same sequence. VCF-style (leftmost placement, unchanged base first): chr7-92214630-GT-G. GRCh37 (hg19) VCF-style: chr7-91843944-GT-G.
Other names: c.1710delA (NM_194456.1); c.1566del, p.Lys522fs (NM_001013406.2, NM_001350669.1, NM_001350670.1); c.996del, p.Lys332fs (NM_001350671.1); c.1710del, p.Lys570fs (NM_001350672.1, NM_001350673.1, NM_001350674.1 and 26 more transcripts); short protein forms K332fs, K522fs, K570fs.
Identifiers: ClinVar variation 590716 (VCV000590716.8), dbSNP rs1563244807, ClinGen allele CA645554266.

ClinVar aggregate classification (germline): Pathogenic. Review status: criteria provided, multiple submitters, no conflicts (2 of 4 stars). 3 submissions from 3 submitters: Pathogenic (3). Last evaluated 2024-12-18.

Conditions:
Cerebral cavernous malformation (CCM). Also called: Cavernous Hemangioma of Brain; Cerebral cavernous hemangioma (type); Cerebral cavernous malformations; CAVERNOUS ANGIOMA, FAMILIAL; CAVERNOUS ANGIOMATOUS MALFORMATIONS; CEREBRAL CAPILLARY MALFORMATIONS. Identifiers: Orphanet 221061, MedGen C2919945, MONDO:0000820, OMIM 116860, HP:0033522.

Submissions (3):

Labcorp Genetics (formerly Invitae), Labcorp
Classification: Pathogenic for Cerebral cavernous malformation. Last evaluated: 2024-12-18. Review status: criteria provided, single submitter. Criteria: Invitae Variant Classification Sherloc (09022015). Collection method: clinical testing. Allele origin: germline.
Comment: This sequence change creates a premature translational stop signal (p.Lys570Asnfs*7) in the KRIT1 gene. It is expected to result in an absent or disrupted protein product. Loss-of-function variants in KRIT1 are known to be pathogenic (PMID: 10508515, 11222804, 12404106, 24689081). This variant is not present in population databases (gnomAD no frequency). This premature translational stop signal has been observed in individual(s) with KRIT1-related conditions (PMID: 10545614). ClinVar contains an entry for this variant (Variation ID: 590716). For these reasons, this variant has been classified as Pathogenic.

GeneDx
Classification: Pathogenic. Last evaluated: 2024-06-25. Review status: criteria provided, single submitter. Criteria: GeneDx Variant Classification Process June 2021. Collection method: clinical testing. Allele origin: germline. Affected: yes.
Comment: Reported as 1089delA in two families with cerebral cavernous malformations in published literature (PMID: 10545614); Frameshift variant predicted to result in protein truncation or nonsense mediated decay in a gene for which loss of function is a known mechanism of disease; Not observed at significant frequency in large population cohorts (gnomAD); This variant is associated with the following publications: (PMID: 10545614)

PreventionGenetics, part of Exact Sciences
Classification: Pathogenic. Last evaluated: 2015-07-08. Review status: criteria provided, single submitter. Criteria: ACMG Guidelines, 2015. Collection method: clinical testing. Allele origin: germline.

Literature cited by the submitters: PubMed 10508515 (cited by Labcorp Genetics (formerly Invitae), Labcorp); PubMed 11222804 (cited by Labcorp Genetics (formerly Invitae), Labcorp); PubMed 12404106 (cited by Labcorp Genetics (formerly Invitae), Labcorp); PubMed 24689081 (cited by Labcorp Genetics (formerly Invitae), Labcorp); PubMed 10545614 (cited by Labcorp Genetics (formerly Invitae), Labcorp).